The following is an entry in ClinVar:

ClinVar aggregate classification (germline): Uncertain significance (1 of 4 stars; one submission).

Conditions:
Cutis laxa, autosomal dominant 3 (ADCL3). Identifiers: Orphanet 90348, MedGen C4225268, MONDO:0014706, OMIM 616603.
Autosomal dominant spastic paraplegia type 9. Identifiers: MedGen C1832669, MONDO:0015091.
de Barsy syndrome. Also called: Cutis laxa-corneal clouding-oligophrenia syndrome. Identifiers: Orphanet 2962, MedGen C0268354, MONDO:0017569.

Submission:

Labcorp Genetics (formerly Invitae), Labcorp
Classification: Uncertain significance for Autosomal dominant spastic paraplegia type 9; de Barsy syndrome; Cutis laxa, autosomal dominant 3. Last evaluated: 2020-01-11. Review status: criteria provided, single submitter. Criteria: Invitae Variant Classification Sherloc (09022015). Collection method: clinical testing. Allele origin: germline.
Comment: In summary, the available evidence is currently insufficient to determine the role of this variant in disease. Therefore, it has been classified as a Variant of Uncertain Significance. Algorithms developed to predict the effect of sequence changes on RNA splicing suggest that this variant is not likely to affect RNA splicing, but this prediction has not been confirmed by published transcriptional studies. This variant has not been reported in the literature in individuals with ALDH18A1-related conditions. This variant is not present in population databases (ExAC no frequency). This sequence change affects codon 29 of the ALDH18A1 mRNA. It is a 'silent' change, meaning that it does not change the encoded amino acid sequence of the ALDH18A1 protein.

NM_002860.4(ALDH18A1):c.87T>G (p.Ser29=)

Gene: ALDH18A1 (aldehyde dehydrogenase 18 family member A1; minus strand). Cytogenetic location: 10q24.1.
Variant type: single nucleotide variant.
Coding change: c.87T>G on transcript NM_002860.4 (MANE Select); coding-DNA position 87, T replaced by G.
Protein change: p.Ser29=; no amino-acid change (serine 29 retained).
Molecular consequence: synonymous variant. On other transcripts: 5 prime UTR variant (4).
Genome position (GRCh38, 1-based): chr10:95,653,291, A>C on the plus strand (T>G on the coding strand, the complement: ALDH18A1 is on the minus strand). VCF-style: chr10-95653291-A-C. GRCh37 (hg19) VCF-style: chr10-97413048-A-C.
Other names: c.87T>G, p.Ser29= (NM_001017423.2, NM_001323413.2, NM_001323414.2 and 2 more transcripts); c.-32T>G (NM_001323412.2, NM_001323416.2, NM_001323418.2); c.-80T>G (NM_001323419.2).
Identifiers: ClinVar variation 834810 (VCV000834810.10), dbSNP rs2097913253, ClinGen allele CA471032339.